The following is an entry in ClinVar:

ClinVar aggregate classification (germline): Pathogenic (1 of 4 stars; one submission).

Submission:

Quest Diagnostics Nichols Institute San Juan Capistrano
Classification: Pathogenic. Last evaluated: 2022-02-28. Review status: criteria provided, single submitter. Criteria: ACMG/ClinGen CNV Guidelines, 2019. Collection method: clinical testing. Allele origin: unknown.
Comment: This copy number loss is associated with the proximal (LCR22 A-D) 22q11.2 deletion syndrome a.k.a., Velocardiofacial syndrome (VCFS) or DiGeorge syndrome (DGS) (OMIM 192430; OMIM 188400). Individuals with chromosome 22q11.2 deletion syndrome have a range of phenotypic findings, including congenital heart defects, particularly conotruncal malformations (tetralogy of Fallot, interrupted aortic arch, ventricular septal defect, and truncus arteriosus), palatal abnormalities, characteristic facial features, learning difficulties, and immune deficiency. Haploinsufficiency of the TBX1 gene in particular is responsible for most of the clinical features. Deletions of this locus are usually de novo, but can be inherited. See GeneReviews for additional information and references.

GRCh37/hg19 22q11.21(chr22:18916843-21075592)x1

Genes: ARVCF (ARVCF delta catenin family member; minus strand), C22orf39 (chromosome 22 open reading frame 39; minus strand), CDC45 (cell division cycle 45; plus strand), CLDN5 (claudin 5; minus strand), CLTCL1 (clathrin heavy chain like 1; minus strand) and 33 more. Cytogenetic location: 22q11.21.
Variant type: copy number loss.
Change: copy number 1 (one copy instead of two) of chr22:18,916,843-21,075,592 (2.16 Mb, GRCh37 coordinates, 1-based), cytogenetic band 22q11.21.
Identifiers: ClinVar variation 1808737 (VCV001808737.1).